The following is an entry in ClinVar:

NM_000391.4(TPP1):c.122C>T (p.Ala41Val)

Gene: TPP1 (tripeptidyl peptidase 1; minus strand). Cytogenetic location: 11p15.4.
Variant type: single nucleotide variant.
Coding change: c.122C>T on transcript NM_000391.4 (MANE Select); coding-DNA position 122, C replaced by T.
Protein change: p.Ala41Val; replaces alanine 41 with valine.
Molecular consequence: missense variant.
Genome position (GRCh38, 1-based): chr11:6,618,883, G>A on the plus strand (C>T on the coding strand, the complement: TPP1 is on the minus strand). VCF-style: chr11-6618883-G-A. GRCh37 (hg19) VCF-style: chr11-6640114-G-A.
Other names: short protein forms A41V.
Identifiers: ClinVar variation 590020 (VCV000590020.10), dbSNP rs768795654, ClinGen allele CA5859047.

ClinVar aggregate classification (germline): Conflicting classifications of pathogenicity. Review status: criteria provided, conflicting classifications (1 of 4 stars). 2 submissions from 2 submitters: Uncertain significance (1); Likely benign (1). Last evaluated 2024-09-05.

Conditions:
Inborn genetic diseases. Identifiers: MedGen C0950123, MeSH D030342.

Allele frequency attached by ClinVar (database versions not stated): ExAC 0.00001; gnomAD exomes 0.00001 and 0.00002.

Submissions (2):

Labcorp Genetics (formerly Invitae), Labcorp
Classification: Uncertain significance. Last evaluated: 2024-09-05. Review status: criteria provided, single submitter. Criteria: Invitae Variant Classification Sherloc (09022015). Collection method: clinical testing. Allele origin: germline.
Comment: This sequence change replaces alanine, which is neutral and non-polar, with valine, which is neutral and non-polar, at codon 41 of the TPP1 protein (p.Ala41Val). This variant is present in population databases (rs768795654, gnomAD 0.006%). This variant has not been reported in the literature in individuals affected with TPP1-related conditions. ClinVar contains an entry for this variant (Variation ID: 590020). Invitae Evidence Modeling of protein sequence and biophysical properties (such as structural, functional, and spatial information, amino acid conservation, physicochemical variation, residue mobility, and thermodynamic stability) indicates that this missense variant is not expected to disrupt TPP1 protein function with a negative predictive value of 95%. In summary, the available evidence is currently insufficient to determine the role of this variant in disease. Therefore, it has been classified as a Variant of Uncertain Significance.

Ambry Genetics
Classification: Likely benign for Inborn genetic diseases. Last evaluated: 2017-01-18. Review status: criteria provided, single submitter. Criteria: Ambry Variant Classification Scheme 2023. Collection method: clinical testing. Allele origin: germline.